The following is an entry in ClinVar:

ClinVar aggregate classification (germline): Uncertain significance. Review status: criteria provided, multiple submitters, no conflicts (2 of 4 stars). 2 submissions from 2 submitters: Uncertain significance (2). Last evaluated 2025-06-03.

Conditions:
Familial thoracic aortic aneurysm and aortic dissection (TAAD). Also called: Thoracic aortic aneurysms and dissections. Identifiers: Orphanet 91387, MedGen C4707243, MONDO:0019625.

Allele frequency attached by ClinVar (database versions not stated): gnomAD exomes 0.00001; TOPMed 0.00001.
gnomAD v4.1: 6 of 1,614,152 alleles (0.00037%); highest among the groups gnomAD compares: Non-Finnish European, 0.00051%; no homozygotes.

Submissions (2):

Color Diagnostics, LLC DBA Color Health
Classification: Uncertain significance for Familial thoracic aortic aneurysm and aortic dissection. Last evaluated: 2025-06-03. Review status: criteria provided, single submitter. Criteria: ACMG Guidelines, 2015. Collection method: clinical testing. Allele origin: germline.
Comment: This missense variant replaces valine with methionine at codon 60 of the MYH11 protein. Computational prediction suggests that this variant may have deleterious impact on protein structure and function. To our knowledge, functional studies have not been reported for this variant. This variant has not been reported in individuals affected with MYH11-related disorders in the literature. This variant has not been identified in the general population by the Genome Aggregation Database (gnomAD). The available evidence is insufficient to determine the role of this variant in disease conclusively. Therefore, this variant is classified as a Variant of Uncertain Significance.

All of Us Research Program, National Institutes of Health
Classification: Uncertain significance for Familial thoracic aortic aneurysm and aortic dissection. Last evaluated: 2023-08-15. Review status: criteria provided, single submitter. Criteria: ACMG Guidelines, 2015. Collection method: clinical testing. Allele origin: germline. Inheritance: Autosomal dominant inheritance. Observed: 1 variant allele, 1 heterozygote.
Comment: This study involves interpretation of variants in research participants for the purpose of population health screening. Participant phenotype was not available at the time of variant classification. Additional details can be found in publication PMID: 35346344, PMCID: PMC8962531

NM_002474.3(MYH11):c.178G>A (p.Val60Met)

Gene: MYH11 (myosin heavy chain 11; minus strand). Cytogenetic location: 16p13.11.
Variant type: single nucleotide variant.
Coding change: c.178G>A on transcript NM_002474.3 (MANE Select); coding-DNA position 178, G replaced by A.
Protein change: p.Val60Met; replaces valine 60 with methionine.
Molecular consequence: missense variant.
Genome position (GRCh38, 1-based): chr16:15,838,075, C>T on the plus strand (G>A on the coding strand, the complement: MYH11 is on the minus strand). VCF-style: chr16-15838075-C-T. GRCh37 (hg19) VCF-style: chr16-15931932-C-T.
Other names: c.178G>A, p.Val60Met (NM_001040113.2, NM_001040114.2, NM_022844.3); short protein forms V60M.
Identifiers: ClinVar variation 3072525 (VCV003072525.2), dbSNP rs2043950934, ClinGen allele CA395198504.